The following is an entry in ClinVar:

ClinVar aggregate classification (germline): Uncertain significance (1 of 4 stars; one submission).

Conditions:
Cataract 39 multiple types. Also called: Cataract 39, multiple types, autosomal dominant. Identifiers: Orphanet 91492, MedGen C3808800, MONDO:0014075, OMIM 615188.

gnomAD v4.1: 3 of 1,609,304 alleles (0.00019%); highest among the groups gnomAD compares: African/African-American, 0.004%; no homozygotes.

Submission:

Labcorp Genetics (formerly Invitae), Labcorp
Classification: Uncertain significance for Cataract 39 multiple types. Last evaluated: 2025-06-05. Review status: criteria provided, single submitter. Criteria: Invitae Variant Classification Sherloc (09022015). Collection method: clinical testing. Allele origin: germline.
Comment: This sequence change replaces isoleucine, which is neutral and non-polar, with valine, which is neutral and non-polar, at codon 93 of the CRYGB protein (p.Ile93Val). This variant is present in population databases (rs143178911, gnomAD 0.01%). This variant has not been reported in the literature in individuals affected with CRYGB-related conditions. An algorithm developed to predict the effect of missense changes on protein structure and function outputs the following: PolyPhen-2: "Benign". The valine amino acid residue is found in multiple mammalian species, which suggests that this missense change does not adversely affect protein function. In summary, the available evidence is currently insufficient to determine the role of this variant in disease. Therefore, it has been classified as a Variant of Uncertain Significance.

NM_005210.4(CRYGB):c.277A>G (p.Ile93Val)

Genes: CRYGB (crystallin gamma B; minus strand), LOC100507443 (uncharacterized LOC100507443; plus strand). Cytogenetic location: 2q33.3.
Variant type: single nucleotide variant.
Coding change: c.277A>G on transcript NM_005210.4 (MANE Select); coding-DNA position 277, A replaced by G.
Protein change: p.Ile93Val; replaces isoleucine 93 with valine.
Molecular consequence: missense variant.
Genome position (GRCh38, 1-based): chr2:208,142,889, T>C on the plus strand (A>G on the coding strand, the complement: CRYGB is on the minus strand). VCF-style: chr2-208142889-T-C. GRCh37 (hg19) VCF-style: chr2-209007613-T-C.
Other names: short protein forms I93V.
Identifiers: ClinVar variation 4703247 (VCV004703247.1).
Genomic context (GRCh38, chr2:208,142,889, plus strand): 5'-CAGAGATACAGTCGTCTGTGAGCTCTGACATTTGTCCCCTCAATTCATCTCTGTCGTAGA[T>C]CTTCATTCTGTAAGCGCCAGAGTGCTGGAGTGGCAGACAGAAAACGCAAGAGTAAACAAA-3'
Protein context (NP_005201.2, residues 83-103): PPHSGAYRMK[Ile93Val]YDRDELRGQM